The following is an entry in ClinVar:

ClinVar aggregate classification (germline): Uncertain significance. Review status: criteria provided, multiple submitters, no conflicts (2 of 4 stars). 4 submissions from 4 submitters: Uncertain significance (3). 1 of the submissions does not count toward it. Last evaluated 2023-05-03.

Conditions:
Retinal dystrophy. Also called: Inherited retinal dystrophy. Identifiers: Orphanet 71862, MedGen C0854723, MeSH D058499, MONDO:0019118, HP:0000556.
Retinitis pigmentosa 56 (RP56). Identifiers: Orphanet 791, MedGen C3150819, MONDO:0013314, OMIM 613581.

Allele frequency attached by ClinVar (database versions not stated): gnomAD exomes below 0.00001 and 0.00001; ExAC 0.00001.
gnomAD v4.1: 1 of 1,613,672 alleles (0.000062%); highest among the groups gnomAD compares: Non-Finnish European, 0.000085%; no homozygotes.

Submissions (4):

Blueprint Genetics
Classification: Uncertain significance. Last evaluated: 2023-05-03. Review status: criteria provided, single submitter. Criteria: ACMG Guidelines, 2015. Collection method: clinical testing. Allele origin: germline.

Labcorp Genetics (formerly Invitae), Labcorp
Classification: Uncertain significance. Last evaluated: 2021-08-27. Review status: criteria provided, single submitter. Criteria: Invitae Variant Classification Sherloc (09022015). Collection method: clinical testing. Allele origin: germline.
Comment: This sequence change replaces phenylalanine with cysteine at codon 1060 of the IMPG2 protein (p.Phe1060Cys). The phenylalanine residue is highly conserved and there is a large physicochemical difference between phenylalanine and cysteine. This variant is present in population databases (rs781743972, ExAC 0.001%). This variant has not been reported in the literature in individuals affected with IMPG2-related conditions. ClinVar contains an entry for this variant (Variation ID: 931480). Algorithms developed to predict the effect of missense changes on protein structure and function (SIFT, PolyPhen-2, Align-GVGD) all suggest that this variant is likely to be disruptive. In summary, the available evidence is currently insufficient to determine the role of this variant in disease. Therefore, it has been classified as a Variant of Uncertain Significance.

Centre for Mendelian Genomics, University Medical Centre Ljubljana
Classification: Uncertain significance for Retinitis pigmentosa 56. Last evaluated: 2019-03-14. Review status: criteria provided, single submitter. Criteria: ACMG Guidelines, 2015. Collection method: clinical testing. Allele origin: unknown. Affected: yes.
Comment: This variant was classified as: Uncertain significance. The available evidence on this variant's pathogenicity is insufficient or conflicting. The following ACMG criteria were applied in classifying this variant: PP3.

Institute of Human Genetics, Univ. Regensburg, Univ. Regensburg
Classification: Uncertain significance for Retinal dystrophy. Last evaluated: 2017-01-01. Review status: no assertion criteria provided. Criteria: ACMG Guidelines, 2015. Collection method: clinical testing. Allele origin: germline. Affected: yes. Not counted in ClinVar's aggregate classification.

NM_016247.4(IMPG2):c.3179T>G (p.Phe1060Cys)

Gene: IMPG2 (interphotoreceptor matrix proteoglycan 2; minus strand). Cytogenetic location: 3q12.3.
Variant type: single nucleotide variant.
Coding change: c.3179T>G on transcript NM_016247.4 (MANE Select); coding-DNA position 3179, T replaced by G.
Protein change: p.Phe1060Cys; replaces phenylalanine 1060 with cysteine.
Molecular consequence: missense variant.
Genome position (GRCh38, 1-based): chr3:101,232,835, A>C on the plus strand (T>G on the coding strand, the complement: IMPG2 is on the minus strand). VCF-style: chr3-101232835-A-C. GRCh37 (hg19) VCF-style: chr3-100951679-A-C.
Other names: short protein forms F1060C.
Identifiers: ClinVar variation 931480 (VCV000931480.8), dbSNP rs781743972, ClinGen allele CA2518821.